The following is an entry in ClinVar:

ClinVar aggregate classification (germline): Uncertain significance (1 of 4 stars; one submission).

Conditions:
Hereditary cancer-predisposing syndrome. Also called: Hereditary Cancer Syndrome; Neoplastic Syndromes, Hereditary; Tumor predisposition; Hereditary neoplastic syndrome. Identifiers: Orphanet 140162, MedGen C0027672, MeSH D009386, MONDO:0015356.

Submission:

Ambry Genetics
Classification: Uncertain significance for Hereditary cancer-predisposing syndrome. Last evaluated: 2026-06-29. Review status: criteria provided, single submitter. Criteria: Ambry Variant Classification Scheme 2023. Collection method: clinical testing. Allele origin: germline.
Comment: The p.P848R variant (also known as c.2543C>G), located in coding exon 21 of the EGFR gene, results from a C to G substitution at nucleotide position 2543. The proline at codon 848 is replaced by arginine, an amino acid with dissimilar properties. This amino acid position is highly conserved in available vertebrate species. In addition, this alteration is predicted to be deleterious by in silico analysis. Based on the available evidence, the clinical significance of this variant remains unclear.

NM_005228.5(EGFR):c.2543C>G (p.Pro848Arg)

Gene: EGFR (epidermal growth factor receptor; plus strand). Cytogenetic location: 7p11.2.
Variant type: single nucleotide variant.
Coding change: c.2543C>G on transcript NM_005228.5 (MANE Select); coding-DNA position 2543, C replaced by G.
Protein change: p.Pro848Arg; replaces proline 848 with arginine.
Molecular consequence: missense variant.
Genome position (GRCh38, 1-based): chr7:55,191,792, C>G. VCF-style: chr7-55191792-C-G. GRCh37 (hg19) VCF-style: chr7-55259485-C-G.
Other names: c.2408C>G, p.Pro803Arg (NM_001346897.2, NM_001346899.2); c.2543C>G, p.Pro848Arg (NM_001346898.2); c.2384C>G, p.Pro795Arg (NM_001346900.2); c.1742C>G, p.Pro581Arg (NM_001346941.2); short protein forms P848R, P581R, P795R, P803R.
Identifiers: ClinVar variation 5035750 (VCV005035750.1).